The following is an entry in ClinVar:

NM_004268.5(MED17):c.250+2T>A

Genes: MED17 (mediator complex subunit 17; plus strand), LOC130006596 (ATAC-STARR-seq lymphoblastoid silent region 3840; plus strand). Cytogenetic location: 11q21.
Variant type: single nucleotide variant.
Coding change: c.250+2T>A on transcript NM_004268.5 (MANE Select); the canonical splice donor site of the intron after coding-DNA position 250, T replaced by A.
Molecular consequence: splice donor variant.
Genome position (GRCh38, 1-based): chr11:93,784,765, T>A. VCF-style: chr11-93784765-T-A. GRCh37 (hg19) VCF-style: chr11-93517931-T-A.
Identifiers: ClinVar variation 2917687 (VCV002917687.3), dbSNP rs2497512444, ClinGen allele CA382388370.

ClinVar aggregate classification (germline): Likely pathogenic (1 of 4 stars; one submission).

Submission:

Labcorp Genetics (formerly Invitae), Labcorp
Classification: Likely pathogenic. Last evaluated: 2023-12-13. Review status: criteria provided, single submitter. Criteria: Invitae Variant Classification Sherloc (09022015). Collection method: clinical testing. Allele origin: germline.
Comment: This sequence change affects a donor splice site in intron 1 of the MED17 gene. It is expected to disrupt RNA splicing. Variants that disrupt the donor or acceptor splice site typically lead to a loss of protein function (PMID: 16199547), and loss-of-function variants in MED17 are known to be pathogenic (PMID: 20950787, 26004231, 30345598). This variant is not present in population databases (gnomAD no frequency). This variant has not been reported in the literature in individuals affected with MED17-related conditions. Algorithms developed to predict the effect of sequence changes on RNA splicing suggest that this variant may disrupt the consensus splice site. In summary, the currently available evidence indicates that the variant is pathogenic, but additional data are needed to prove that conclusively. Therefore, this variant has been classified as Likely Pathogenic.

Literature cited by the submitters: PubMed 16199547; PubMed 20950787; PubMed 26004231; PubMed 30345598.